The following is an entry in ClinVar:

ClinVar aggregate classification (germline): Uncertain significance (1 of 4 stars; one submission).

Conditions:
Werner syndrome (WRN). Identifiers: Orphanet 902, MedGen C0043119, MONDO:0010196, OMIM 277700.

Allele frequency attached by ClinVar (database versions not stated): gnomAD exomes below 0.00001.
gnomAD v4.1: 1 of 1,614,002 alleles (0.000062%); highest among the groups gnomAD compares: Non-Finnish European, 0.000085%; no homozygotes.

Submission:

Labcorp Genetics (formerly Invitae), Labcorp
Classification: Uncertain significance for Werner syndrome. Last evaluated: 2021-08-29. Review status: criteria provided, single submitter. Criteria: Invitae Variant Classification Sherloc (09022015). Collection method: clinical testing. Allele origin: germline.
Comment: This sequence change replaces alanine with threonine at codon 1179 of the WRN protein (p.Ala1179Thr). The alanine residue is highly conserved and there is a small physicochemical difference between alanine and threonine. This variant is not present in population databases (ExAC no frequency). This variant has not been reported in the literature in individuals affected with WRN-related conditions. Algorithms developed to predict the effect of missense changes on protein structure and function are either unavailable or do not agree on the potential impact of this missense change (SIFT: "Not Available"; PolyPhen-2: "Probably Damaging"; Align-GVGD: "Not Available"). In summary, the available evidence is currently insufficient to determine the role of this variant in disease. Therefore, it has been classified as a Variant of Uncertain Significance.

NM_000553.6(WRN):c.3535G>A (p.Ala1179Thr)

Gene: WRN (WRN RecQ like helicase; plus strand). Cytogenetic location: 8p12.
Variant type: single nucleotide variant.
Coding change: c.3535G>A on transcript NM_000553.6 (MANE Select); coding-DNA position 3535, G replaced by A.
Protein change: p.Ala1179Thr; replaces alanine 1179 with threonine.
Molecular consequence: missense variant.
Genome position (GRCh38, 1-based): chr8:31,147,439, G>A. VCF-style: chr8-31147439-G-A. GRCh37 (hg19) VCF-style: chr8-31004955-G-A.
Other names: short protein forms A1179T.
Identifiers: ClinVar variation 1487170 (VCV001487170.6), dbSNP rs868438861, ClinGen allele CA174905123.